The following is an entry in ClinVar:

ClinVar aggregate classification (germline): Likely benign. Review status: criteria provided, single submitter (1 of 4 stars). 2 submissions from 2 submitters: Likely benign (1). 1 of the submissions does not count toward it. Last evaluated 2021-10-23.

Conditions:
GPC3-related disorder. Also called: GPC3-related condition.
Wilms tumor 1 (WT1). Also called: Wilms tumor, somatic. Identifiers: Orphanet 654, MedGen CN033288, MONDO:0008679, OMIM 194070.

Allele frequency attached by ClinVar (database versions not stated): gnomAD exomes below 0.00001.
gnomAD v4.1: 2 of 1,198,306 alleles (0.00017%); highest among the groups gnomAD compares: Admixed American, 0.0022%; no homozygotes.

Submissions (2):

Labcorp Genetics (formerly Invitae), Labcorp
Classification: Likely benign for Wilms tumor 1. Last evaluated: 2021-10-23. Review status: criteria provided, single submitter. Criteria: Invitae Variant Classification Sherloc (09022015). Collection method: clinical testing. Allele origin: germline.

PreventionGenetics, part of Exact Sciences
Classification: Likely benign for GPC3-related condition. Last evaluated: 2023-12-06. Review status: no assertion criteria provided. Collection method: clinical testing. Allele origin: germline. Not counted in ClinVar's aggregate classification.
Comment: This variant is classified as likely benign based on ACMG/AMP sequence variant interpretation guidelines (Richards et al. 2015 PMID: 25741868, with internal and published modifications).

NM_004484.4(GPC3):c.1166+8G>T

Gene: GPC3 (glypican 3; minus strand). Cytogenetic location: Xq26.2.
Variant type: single nucleotide variant.
Coding change: c.1166+8G>T on transcript NM_004484.4 (MANE Select); 8 bases into the intron after coding-DNA position 1166, G replaced by T.
Molecular consequence: intron variant.
Genome position (GRCh38, 1-based): chrX:133,699,887, C>A on the plus strand (G>T on the coding strand, the complement: GPC3 is on the minus strand). VCF-style: chrX-133699887-C-A. GRCh37 (hg19) VCF-style: chrX-132833915-C-A.
Other names: c.1004+8G>T (NM_001164619.2); c.1118+8G>T (NM_001164618.2); c.1235+8G>T (NM_001164617.2); c.1166+8G>T (NM_004484.3).
Identifiers: ClinVar variation 1543797 (VCV001543797.10), dbSNP rs2124437393, ClinGen allele CA2573159324.